The following is an entry in ClinVar:

NM_020778.5(ALPK3):c.4000G>A (p.Val1334Met)

Gene: ALPK3 (alpha kinase 3; plus strand). Cytogenetic location: 15q25.3.
Variant type: single nucleotide variant.
Coding change: c.4000G>A on transcript NM_020778.5 (MANE Select); coding-DNA position 4000, G replaced by A.
Protein change: p.Val1334Met; replaces valine 1334 with methionine.
Molecular consequence: missense variant.
Genome position (GRCh38, 1-based): chr15:84,859,810, G>A. VCF-style: chr15-84859810-G-A. GRCh37 (hg19) VCF-style: chr15-85403041-G-A.
Other names: c.4606G>A (NM_020778.4); short protein forms V1334M.
Identifiers: ClinVar variation 2979337 (VCV002979337.5), dbSNP rs377209768, ClinGen allele CA273628913.

ClinVar aggregate classification (germline): Uncertain significance. Review status: criteria provided, multiple submitters, no conflicts (2 of 4 stars). 3 submissions from 3 submitters: Uncertain significance (3). Last evaluated 2025-11-26.

Conditions:
Cardiovascular phenotype. Identifiers: MedGen CN230736.

Allele frequency attached by ClinVar (database versions not stated): gnomAD exomes 0.00001; TOPMed 0.00001; gnomAD 0.00002; ESP Exome Variant Server 0.00008.
gnomAD v4.1: 14 of 1,613,618 alleles (0.00087%); highest among the groups gnomAD compares: Middle Eastern, 0.033%; no homozygotes.

Submissions (3):

Ambry Genetics
Classification: Uncertain significance for Cardiovascular phenotype. Last evaluated: 2025-11-26. Review status: criteria provided, single submitter. Criteria: Ambry Variant Classification Scheme 2023. Collection method: clinical testing. Allele origin: germline.
Comment: The p.V1536M variant (also known as c.4606G>A), located in coding exon 8 of the ALPK3 gene, results from a G to A substitution at nucleotide position 4606. The valine at codon 1536 is replaced by methionine, an amino acid with highly similar properties. This amino acid position is well conserved in available vertebrate species. In addition, this alteration is predicted to be tolerated by in silico analysis. Based on the available evidence, the clinical significance of this variant remains unclear.

Labcorp Genetics (formerly Invitae), Labcorp
Classification: Uncertain significance. Last evaluated: 2025-03-19. Review status: criteria provided, single submitter. Criteria: Invitae Variant Classification Sherloc (09022015). Collection method: clinical testing. Allele origin: germline.
Comment: This sequence change replaces valine, which is neutral and non-polar, with methionine, which is neutral and non-polar, at codon 1536 of the ALPK3 protein (p.Val1536Met). This variant is present in population databases (rs377209768, gnomAD 0.003%). This variant has not been reported in the literature in individuals affected with ALPK3-related conditions. ClinVar contains an entry for this variant (Variation ID: 2979337). Invitae Evidence Modeling of protein sequence and biophysical properties (such as structural, functional, and spatial information, amino acid conservation, physicochemical variation, residue mobility, and thermodynamic stability) indicates that this missense variant is expected to disrupt ALPK3 protein function with a positive predictive value of 80%. Algorithms developed to predict the effect of sequence changes on RNA splicing suggest that this variant may create or strengthen a splice site. In summary, the available evidence is currently insufficient to determine the role of this variant in disease. Therefore, it has been classified as a Variant of Uncertain Significance.

Blueprint Genetics
Classification: Uncertain significance. Last evaluated: 2023-06-12. Review status: criteria provided, single submitter. Criteria: ACMG Guidelines, 2015. Collection method: clinical testing. Allele origin: germline.